The following is an entry in ClinVar:

ClinVar aggregate classification (germline): Uncertain significance (1 of 4 stars; one submission).

Conditions:
Hereditary pulmonary alveolar proteinosis. Also called: Pulmonary surfactant metabolism dysfunction. Identifiers: Orphanet 264675, MedGen C3711368, MONDO:0012580.

Allele frequency attached by ClinVar (database versions not stated): gnomAD exomes below 0.00001.
gnomAD v4.1: 1 of 1,614,000 alleles (0.000062%); highest among the groups gnomAD compares: Non-Finnish European, 0.000085%; no homozygotes.

Submission:

Ambry Genetics
Classification: Uncertain significance for Hereditary pulmonary alveolar proteinosis. Last evaluated: 2022-10-23. Review status: criteria provided, single submitter. Criteria: Ambry Variant Classification Scheme 2023. Collection method: clinical testing. Allele origin: germline.
Comment: The p.L1685V variant (also known as c.5053C>G), located in coding exon 30 of the ABCA3 gene, results from a C to G substitution at nucleotide position 5053. The leucine at codon 1685 is replaced by valine, an amino acid with highly similar properties. This amino acid position is conserved. In addition, this alteration is predicted to be deleterious by in silico analysis. Since supporting evidence is limited at this time, the clinical significance of this alteration remains unclear.

NM_001089.3(ABCA3):c.5053C>G (p.Leu1685Val)

Gene: ABCA3 (ATP binding cassette subfamily A member 3; minus strand). Cytogenetic location: 16p13.3.
Variant type: single nucleotide variant.
Coding change: c.5053C>G on transcript NM_001089.3 (MANE Select); coding-DNA position 5053, C replaced by G.
Protein change: p.Leu1685Val; replaces leucine 1685 with valine.
Molecular consequence: missense variant.
Genome position (GRCh38, 1-based): chr16:2,276,736, G>C on the plus strand (C>G on the coding strand, the complement: ABCA3 is on the minus strand). VCF-style: chr16-2276736-G-C. GRCh37 (hg19) VCF-style: chr16-2326737-G-C.
Other names: short protein forms L1685V.
Identifiers: ClinVar variation 1745052 (VCV001745052.2), dbSNP rs2093647027, ClinGen allele CA394302370.
Genomic context (GRCh38, chr16:2,276,736, plus strand): 5'-ATCGCCCCTCCTCTGCGGTGGGCGGCTGCAGGTGGGCGAAGCTCAGGAAGACCTGTTCCA[G>C]CGAGATCTGGCTCACGGAGTAGTCGTCCACGCCGTACTTTTCCTTGGCTTTCTCCAGAAT-3'
Protein context (NP_001080.2, residues 1675-1695): VDDYSVSQIS[Leu1685Val]EQVFLSFAHL